The following is an entry in ClinVar:

NM_213569.2(NEBL):c.250-10T>G

Gene: NEBL (nebulette; minus strand). Cytogenetic location: 10p12.31.
Variant type: single nucleotide variant.
Coding change: c.250-10T>G on transcript NM_213569.2; 10 bases into the intron before coding-DNA position 250, T replaced by G.
Molecular consequence: intron variant.
Genome position (GRCh38, 1-based): chr10:20,961,789, A>C on the plus strand (T>G on the coding strand, the complement: NEBL is on the minus strand). VCF-style: chr10-20961789-A-C. GRCh37 (hg19) VCF-style: chr10-21250718-A-C.
Other names: c.142-10T>G (NM_001377326.1, NM_001377327.1, NM_001377328.1); c.250-10T>G (NM_001173484.2, NM_001377322.1); c.193-10T>G (NM_001377324.1); c.184-10T>G (NM_001377325.1); c.202-10T>G (NM_001377323.1).
Identifiers: ClinVar variation 164774 (VCV000164774.6), dbSNP rs727503339, ClinGen allele CA177474.
Genomic context (GRCh38, chr10:20,961,789, plus strand): 5'-GATGCTGAAGCCCCTCCCTTTGCTTTCTTCAAAATCTCTTTTGTACTTGACCTAACAAGA[A>C]GGGGGAAAAGAAAAGTGAACAGAGGGATCACGAATCCCACTCGGGATAGGCTGGGCCAAC-3'

ClinVar aggregate classification (germline): Uncertain significance (1 of 4 stars; one submission).

Allele frequency attached by ClinVar (database versions not stated): gnomAD exomes 0.00001.
gnomAD v4.1: 15 of 1,601,222 alleles (0.00094%); highest among the groups gnomAD compares: Non-Finnish European, 0.0013%; no homozygotes.

Submission:

Laboratory for Molecular Medicine, Mass General Brigham Personalized Medicine
Classification: Uncertain significance. Last evaluated: 2014-10-02. Review status: criteria provided, single submitter. Criteria: LMM Criteria. Collection method: clinical testing. Allele origin: germline. Observed: 1 variant allele.
Comment: The c.250-10T>G variant in NEBL has not been previously reported in individuals with cardiomyopathy or in large population studies. This variant is located in t he 3' splice region. Computational tools do not suggest an impact to splicing. H owever, this information is not predictive enough to rule out pathogenicity. In summary, the clinical significance of the c.250-10T>G variant is uncertain.